The following is an entry in ClinVar:

ClinVar aggregate classification (germline): Benign. Review status: criteria provided, multiple submitters, no conflicts (2 of 4 stars). 2 submissions from 2 submitters: Benign (2). Last evaluated 2016-05-23.

Submissions (2):

GeneDx
Classification: Benign. Last evaluated: 2016-05-23. Review status: criteria provided, single submitter. Criteria: GeneDx Variant Classification (06012015). Collection method: clinical testing. Allele origin: germline. Affected: yes.
Comment: This variant is considered likely benign or benign based on one or more of the following criteria: it is a conservative change, it occurs at a poorly conserved position in the protein, it is predicted to be benign by multiple in silico algorithms, and/or has population frequency not consistent with disease.

Laboratory for Molecular Medicine, Mass General Brigham Personalized Medicine
Classification: Benign. Last evaluated: 2015-11-02. Review status: criteria provided, single submitter. Criteria: LMM Criteria. Collection method: clinical testing. Allele origin: germline. Observed: 1 variant allele.
Comment: c.808-14delinsCC in intron 5 of ACTA1: This variant is not expected to have clin ical significance because it has been identified in 16% of European chromosomes by the Exome Aggregation Consortium (ExAC; dbSNP rs201427429).

NM_001100.4(ACTA1):c.809-14delinsCC

Gene: ACTA1 (actin alpha 1, skeletal muscle; minus strand). Cytogenetic location: 1q42.13.
Variant type: Indel.
Coding change: c.809-14delinsCC on transcript NM_001100.4 (MANE Select); 14 bases into the intron before coding-DNA position 809, G replaced by CC.
Molecular consequence: intron variant.
Genome position (GRCh38, 1-based): chr1:229,431,916, C replaced by GG on the plus strand (G replaced by CC on the coding strand, the reverse complement: ACTA1 is on the minus strand). VCF-style: chr1-229431916-C-GG. GRCh37 (hg19) VCF-style: chr1-229567663-C-GG.
Other names: c.809-14delGinsCC (NM_001100.3).
Identifiers: ClinVar variation 226455 (VCV000226455.4), dbSNP rs876657420, ClinGen allele CA10576391.